The following is an entry in ClinVar:

ClinVar aggregate classification (germline): Likely pathogenic. Review status: criteria provided, multiple submitters, no conflicts (2 of 4 stars). 3 submissions from 3 submitters: Likely pathogenic (2). 1 of the submissions does not count toward it. Last evaluated 2023-10-23.

Conditions:
Miyoshi muscular dystrophy 1 (MMD1). Identifiers: Orphanet 45448, MedGen C4551973, MONDO:0024545, OMIM 254130.
Autosomal recessive limb-girdle muscular dystrophy type 2B (LGMDR2). Also called: MUSCULAR DYSTROPHY, LIMB-GIRDLE, AUTOSOMAL RECESSIVE 2; Limb-girdle muscular dystrophy, type 2B; Limb-Girdle Muscular Dystrophy Type 2B (LGMD2B); MUSCULAR DYSTROPHY, LIMB-GIRDLE, TYPE 3. Identifiers: Orphanet 268, MedGen C1850889, MONDO:0009676, OMIM 253601.
Neuromuscular disease caused by qualitative or quantitative defects of dysferlin. Also called: Dysferlinopathy; Qualitative or quantitative defects of dysferlin. Identifiers: Orphanet 207073, MedGen C2931687, MONDO:0016145.

gnomAD v4.1: 1 of 1,613,790 alleles (0.000062%); highest among the groups gnomAD compares: Non-Finnish European, 0.000085%; no homozygotes.

Submissions (3):

Labcorp Genetics (formerly Invitae), Labcorp
Classification: Likely pathogenic for Neuromuscular disease caused by qualitative or quantitative defects of dysferlin. Last evaluated: 2023-10-23. Review status: criteria provided, single submitter. Criteria: Invitae Variant Classification Sherloc (09022015). Collection method: clinical testing. Allele origin: germline.
Comment: This sequence change affects a donor splice site in intron 53 of the DYSF gene. It is expected to disrupt RNA splicing. Variants that disrupt the donor or acceptor splice site typically lead to a loss of protein function (PMID: 16199547), and loss-of-function variants in DYSF are known to be pathogenic (PMID: 17698709, 20301480). This variant is not present in population databases (gnomAD no frequency). This variant has not been reported in the literature in individuals affected with DYSF-related conditions. ClinVar contains an entry for this variant (Variation ID: 2094308). Algorithms developed to predict the effect of sequence changes on RNA splicing suggest that this variant may disrupt the consensus splice site. In summary, the currently available evidence indicates that the variant is pathogenic, but additional data are needed to prove that conclusively. Therefore, this variant has been classified as Likely Pathogenic.

Baylor Genetics
Classification: Likely pathogenic for Miyoshi muscular dystrophy 1. Last evaluated: 2023-09-11. Review status: criteria provided, single submitter. Criteria: ACMG Guidelines, 2015. Collection method: clinical testing. Allele origin: unknown.

Institute of Human Genetics, University of Wuerzburg
Classification: Likely pathogenic for Autosomal recessive limb-girdle muscular dystrophy type 2B. Review status: no assertion criteria provided. Collection method: clinical testing. Allele origin: unknown. Affected: yes. Observed: 1 variant allele. Not counted in ClinVar's aggregate classification.

Literature cited by the submitters: PubMed 16199547 (cited by Labcorp Genetics (formerly Invitae), Labcorp); PubMed 17698709 (cited by Labcorp Genetics (formerly Invitae), Labcorp); PubMed 20301480 (cited by Labcorp Genetics (formerly Invitae), Labcorp).

NM_001130987.2(DYSF):c.6173+1G>A

Gene: DYSF (dysferlin; plus strand). Cytogenetic location: 2p13.2.
Variant type: single nucleotide variant.
Coding change: c.6173+1G>A on transcript NM_001130987.2 (MANE Select); the canonical splice donor site of the intron after coding-DNA position 6173, G replaced by A.
Molecular consequence: splice donor variant.
Genome position (GRCh38, 1-based): chr2:71,681,111, G>A. VCF-style: chr2-71681111-G-A. GRCh37 (hg19) VCF-style: chr2-71908241-G-A.
Other names: c.6014+1G>A (NM_001130976.2); c.6152+1G>A (NM_001130982.2); c.6110+1G>A (NM_001130985.2); c.6122+1G>A (NM_001130983.2); c.6059+1G>A (NM_001130455.2); c.6080+1G>A (NM_001130984.2); c.6017+1G>A (NM_001130986.2); c.6149+1G>A (NM_001130979.2); and 5 more.
Identifiers: ClinVar variation 2094308 (VCV002094308.6), dbSNP rs1293857367, ClinGen allele CA347226922.